The following is an entry in ClinVar:

NM_015978.3(TNNI3K):c.318T>A (p.His106Gln)

Genes: FPGT-TNNI3K (FPGT-TNNI3K readthrough; plus strand), TNNI3K (TNNI3 interacting kinase; plus strand). Cytogenetic location: 1p31.1.
Variant type: single nucleotide variant.
Coding change: c.318T>A on transcript NM_015978.3 (MANE Select); coding-DNA position 318, T replaced by A.
Protein change: p.His106Gln; replaces histidine 106 with glutamine.
Molecular consequence: missense variant.
Genome position (GRCh38, 1-based): chr1:74,250,754, T>A. VCF-style: chr1-74250754-T-A. GRCh37 (hg19) VCF-style: chr1-74716438-T-A.
Other names: c.621T>A, p.His207Gln (NM_001112808.3, NM_001199327.2); short protein forms H106Q, H207Q.
Identifiers: ClinVar variation 2098080 (VCV002098080.4), dbSNP rs2524369636, ClinGen allele CA340788233.

ClinVar aggregate classification (germline): Uncertain significance (1 of 4 stars; one submission).

Submission:

Labcorp Genetics (formerly Invitae), Labcorp
Classification: Uncertain significance. Last evaluated: 2021-12-17. Review status: criteria provided, single submitter. Criteria: Invitae Variant Classification Sherloc (09022015). Collection method: clinical testing. Allele origin: germline.
Comment: This variant has not been reported in the literature in individuals affected with TNNI3K-related conditions. In summary, the available evidence is currently insufficient to determine the role of this variant in disease. Therefore, it has been classified as a Variant of Uncertain Significance. Algorithms developed to predict the effect of missense changes on protein structure and function are either unavailable or do not agree on the potential impact of this missense change (SIFT: "Deleterious"; PolyPhen-2: "Benign"; Align-GVGD: "Class C0"). This variant is not present in population databases (gnomAD no frequency). This sequence change replaces histidine, which is basic and polar, with glutamine, which is neutral and polar, at codon 106 of the TNNI3K protein (p.His106Gln).